The following is an entry in ClinVar:

NM_152594.3(SPRED1):c.1279C>G (p.His427Asp)

Gene: SPRED1 (sprouty related EVH1 domain containing 1; plus strand). Cytogenetic location: 15q14.
Variant type: single nucleotide variant.
Coding change: c.1279C>G on transcript NM_152594.3 (MANE Select); coding-DNA position 1279, C replaced by G.
Protein change: p.His427Asp; replaces histidine 427 with aspartic acid.
Molecular consequence: missense variant.
Genome position (GRCh38, 1-based): chr15:38,351,608, C>G. VCF-style: chr15-38351608-C-G. GRCh37 (hg19) VCF-style: chr15-38643809-C-G.
Other names: short protein forms H427D.
Identifiers: ClinVar variation 3715375 (VCV003715375.2).

ClinVar aggregate classification (germline): Uncertain significance (1 of 4 stars; one submission).

Conditions:
Legius syndrome. Identifiers: Orphanet 137605, MedGen C1969623, MONDO:0012669, OMIM 611431. Disease mechanism: loss of function.

Submission:

Labcorp Genetics (formerly Invitae), Labcorp
Classification: Uncertain significance for Legius syndrome. Last evaluated: 2024-09-12. Review status: criteria provided, single submitter. Criteria: Invitae Variant Classification Sherloc (09022015). Collection method: clinical testing. Allele origin: germline.
Comment: This sequence change replaces histidine, which is basic and polar, with aspartic acid, which is acidic and polar, at codon 427 of the SPRED1 protein (p.His427Asp). This variant is not present in population databases (gnomAD no frequency). This variant has not been reported in the literature in individuals affected with SPRED1-related conditions. Invitae Evidence Modeling of protein sequence and biophysical properties (such as structural, functional, and spatial information, amino acid conservation, physicochemical variation, residue mobility, and thermodynamic stability) has been performed for this missense variant. However, the output from this modeling did not meet the statistical confidence thresholds required to predict the impact of this variant on SPRED1 protein function. In summary, the available evidence is currently insufficient to determine the role of this variant in disease. Therefore, it has been classified as a Variant of Uncertain Significance.